The following is an entry in ClinVar:

ClinVar aggregate classification (germline): Uncertain significance (1 of 4 stars; one submission).

Submission:

Labcorp Genetics (formerly Invitae), Labcorp
Classification: Uncertain significance. Last evaluated: 2024-10-21. Review status: criteria provided, single submitter. Criteria: Invitae Variant Classification Sherloc (09022015). Collection method: clinical testing. Allele origin: germline.
Comment: This sequence change replaces arginine, which is basic and polar, with lysine, which is basic and polar, at codon 2047 of the COL7A1 protein (p.Arg2047Lys). This variant is not present in population databases (gnomAD no frequency). This variant has not been reported in the literature in individuals affected with COL7A1-related conditions. ClinVar contains an entry for this variant (Variation ID: 1521818). Invitae Evidence Modeling of protein sequence and biophysical properties (such as structural, functional, and spatial information, amino acid conservation, physicochemical variation, residue mobility, and thermodynamic stability) indicates that this missense variant is not expected to disrupt COL7A1 protein function with a negative predictive value of 95%. Algorithms developed to predict the effect of sequence changes on RNA splicing suggest that this variant may create or strengthen a splice site. In summary, the available evidence is currently insufficient to determine the role of this variant in disease. Therefore, it has been classified as a Variant of Uncertain Significance.

NM_000094.4(COL7A1):c.6140G>A (p.Arg2047Lys)

Gene: COL7A1 (collagen type VII alpha 1 chain; minus strand). Cytogenetic location: 3p21.31.
Variant type: single nucleotide variant.
Coding change: c.6140G>A on transcript NM_000094.4 (MANE Select); coding-DNA position 6140, G replaced by A.
Protein change: p.Arg2047Lys; replaces arginine 2047 with lysine.
Molecular consequence: missense variant.
Genome position (GRCh38, 1-based): chr3:48,575,379, C>T on the plus strand (G>A on the coding strand, the complement: COL7A1 is on the minus strand). VCF-style: chr3-48575379-C-T. GRCh37 (hg19) VCF-style: chr3-48612812-C-T.
Other names: short protein forms R2047K.
Identifiers: ClinVar variation 1521818 (VCV001521818.7), dbSNP rs2107674107, ClinGen allele CA352662995.